The following is an entry in ClinVar:

NC_012920.1(MT-CO3):m.9509T>C

Gene: MT-CO3 (mitochondrially encoded cytochrome c oxidase III; plus strand).
Variant type: single nucleotide variant.
Genome position: chrM-9509-T-C.
Identifiers: ClinVar variation 235641 (VCV000235641.3), dbSNP rs375478739, ClinGen allele CA10581383.
Genomic context (GRCh38, chrMT:9,509, plus strand): 5'-CGGGATAATCCTATTTATTACCTCAGAAGTTTTTTTCTTCGCAGGATTTTTCTGAGCCTT[T>C]TACCACTCCAGCCTAGCCCCTACCCCCCAATTAGGAGGGCACTGGCCCCCAACAGGCATC-3'

ClinVar aggregate classification (germline): Uncertain significance (1 of 4 stars; one submission).

Submission:

Center for Pediatric Genomic Medicine, Children's Mercy Hospital and Clinics
Classification: Uncertain significance. Last evaluated: 2015-12-22. Review status: criteria provided, single submitter. Criteria: ACMG Guidelines, 2015. Collection method: clinical testing. Allele origin: germline.
ClinVar note: Converted during submission from Uncertain Significance to Uncertain significance.